The following is an entry in ClinVar:

ClinVar aggregate classification (germline): Uncertain significance (1 of 4 stars; one submission).

Conditions:
Jaw-winking syndrome. Also called: JAW-WINKING; MAXILLOPALPEBRAL SYNKINESIS; Marcus Gunn jaw winking synkinesis. Identifiers: Orphanet 91412, MedGen C0266521, MONDO:0007946, OMIM 154600, HP:0025186.

Submission:

Broad Center for Mendelian Genomics, Broad Institute of MIT and Harvard
Classification: Uncertain significance for Jaw-winking syndrome. Last evaluated: 2024-02-27. Review status: criteria provided, single submitter. Criteria: ACMG Guidelines, 2015. Collection method: curation. Allele origin: germline. Inheritance: Autosomal dominant inheritance.
Comment: The heterozygous p.Glu483Gly variant in KIF5C was identified in 1 individual with isolated sporadic synkinesis consisting of intermittent blinking during smiling, thought to be due to aberrant innervation of cranial nerve 5 or 7, via a collaborative study between the Broad Institute's Center for Mendelian Genomics and the Engle lab. While this gene has a strong gene-disease association with complex cortical dysplasia with other brain malformations, it is lacking sufficient evidence to establish a gene-disease relationship for synkinesis. We believe this is a possible novel gene candidate for synkinesis. Given the limited information about this gene-disease relationship, the significance of the p.Glu483Gly variant is uncertain. If you have any additional information about functional evidence or other individuals with this phenotype that also have variants in KIF5C we encourage you to reach out to the Engle Lab.

NM_004522.3(KIF5C):c.1448A>G (p.Glu483Gly)

Gene: KIF5C (kinesin family member 5C; plus strand). Cytogenetic location: 2q23.1.
Variant type: single nucleotide variant.
Coding change: c.1448A>G on transcript NM_004522.3 (MANE Select); coding-DNA position 1448, A replaced by G.
Protein change: p.Glu483Gly; replaces glutamic acid 483 with glycine.
Molecular consequence: missense variant. On other transcripts: non-coding transcript variant (1).
Genome position (GRCh38, 1-based): chr2:148,981,440, A>G. VCF-style: chr2-148981440-A-G. GRCh37 (hg19) VCF-style: chr2-149837954-A-G.
Other names: NR_111932.2:n.820A>G; short protein forms E483G.
Identifiers: ClinVar variation 3024403 (VCV003024403.1), dbSNP rs2468275621, ClinGen allele CA348735937.